The following is an entry in ClinVar:

ClinVar aggregate classification (germline): Conflicting classifications of pathogenicity. Review status: criteria provided, conflicting classifications (1 of 4 stars). 4 submissions from 4 submitters: Uncertain significance (3); Likely benign (1). Last evaluated 2026-02-18.

Conditions:
ALPK3-related disorder. Also called: ALPK3-related condition.
Cardiovascular phenotype. Identifiers: MedGen CN230736.

Allele frequency attached by ClinVar (database versions not stated): gnomAD exomes 0.00002; ExAC 0.00003; gnomAD 0.00007 and 0.00009; TOPMed 0.00010.
gnomAD v4.1: 26 of 1,579,024 alleles (0.0016%); highest among the groups gnomAD compares: African/African-American, 0.024%; no homozygotes.

Submissions (4):

PreventionGenetics, part of Exact Sciences
Classification: Uncertain significance for ALPK3-related condition. Last evaluated: 2026-02-18. Review status: criteria provided, single submitter. Criteria: ACMG Guidelines, 2015. Collection method: clinical testing. Allele origin: germline.
Comment: The ALPK3 c.4358T>C variant is predicted to result in the amino acid substitution p.Val1453Ala. To our knowledge, this variant has not been reported in the literature. This variant is reported in 0.015% of alleles in individuals of African descent in gnomAD. At this time, the clinical significance of this variant is uncertain due to the absence of conclusive functional and genetic evidence.

Labcorp Genetics (formerly Invitae), Labcorp
Classification: Uncertain significance. Last evaluated: 2025-12-01. Review status: criteria provided, single submitter. Criteria: Invitae Variant Classification Sherloc (09022015). Collection method: clinical testing. Allele origin: germline.
Comment: This sequence change replaces valine, which is neutral and non-polar, with alanine, which is neutral and non-polar, at codon 1453 of the ALPK3 protein (p.Val1453Ala). This variant is present in population databases (rs762986369, gnomAD 0.02%). This variant has not been reported in the literature in individuals affected with ALPK3-related conditions. ClinVar contains an entry for this variant (Variation ID: 1312466). Invitae Evidence Modeling of protein sequence and biophysical properties (such as structural, functional, and spatial information, amino acid conservation, physicochemical variation, residue mobility, and thermodynamic stability) indicates that this missense variant is not expected to disrupt ALPK3 protein function with a negative predictive value of 80%. In summary, the available evidence is currently insufficient to determine the role of this variant in disease. Therefore, it has been classified as a Variant of Uncertain Significance.

Ambry Genetics
Classification: Likely benign for Cardiovascular phenotype. Last evaluated: 2025-01-15. Review status: criteria provided, single submitter. Criteria: Ambry Variant Classification Scheme 2023. Collection method: clinical testing. Allele origin: germline.

GeneDx
Classification: Uncertain significance. Last evaluated: 2024-03-06. Review status: criteria provided, single submitter. Criteria: GeneDx Variant Classification Process June 2021. Collection method: clinical testing. Allele origin: germline. Affected: yes.
Comment: Has not been previously published as pathogenic or benign to our knowledge; Not observed at significant frequency in large population cohorts (gnomAD); In silico analysis supports that this missense variant does not alter protein structure/function

NM_020778.5(ALPK3):c.3752T>C (p.Val1251Ala)

Gene: ALPK3 (alpha kinase 3; plus strand). Cytogenetic location: 15q25.3.
Variant type: single nucleotide variant.
Coding change: c.3752T>C on transcript NM_020778.5 (MANE Select); coding-DNA position 3752, T replaced by C.
Protein change: p.Val1251Ala; replaces valine 1251 with alanine.
Molecular consequence: missense variant.
Genome position (GRCh38, 1-based): chr15:84,858,490, T>C. VCF-style: chr15-84858490-T-C. GRCh37 (hg19) VCF-style: chr15-85401721-T-C.
Other names: short protein forms V1251A.
Identifiers: ClinVar variation 1312466 (VCV001312466.15), dbSNP rs762986369, ClinGen allele CA7709711.
Genomic context (GRCh38, chr15:84,858,490, plus strand): 5'-AGGAGCTGGCGGCAGGAGACCTGGGCCCCAGCCCCAAGGCCGGCGGTCTGGACACAGAGG[T>C]GGCCCTGGATGAAGGCAAGCAGGAGACACTGGCCAAGCCCAGGAAAGCCAAAGACCTGCT-3'
Protein context (NP_065829.4, residues 1241-1261): SPKAGGLDTE[Val1251Ala]ALDEGKQETL